The following is an entry in ClinVar:

NM_138694.4(PKHD1):c.5663_5666del (p.Thr1888fs)

Gene: PKHD1 (PKHD1 ciliary IPT domain containing fibrocystin/polyductin; minus strand). Cytogenetic location: 6p12.2.
Variant type: Deletion.
Coding change: c.5663_5666del on transcript NM_138694.4 (MANE Select); coding-DNA positions 5663 to 5666, 4 bases deleted (CTGA; older notation c.5663_5666delCTGA).
Protein change: p.Thr1888fs; shifts the reading frame from threonine 1888.
Molecular consequence: frameshift variant.
Genome position (GRCh38, 1-based): chr6:52,010,394-52,010,397, TCAG deleted on the plus strand (CTGA on the coding strand, the reverse complement: PKHD1 is on the minus strand); deleting any 4 consecutive bases within chr6:52,010,394-52,010,398 gives the same sequence; the c. name uses the placement nearest the transcript's 3' end. VCF-style (leftmost placement, unchanged base first): chr6-52010393-CTCAG-C. GRCh37 (hg19) VCF-style: chr6-51875191-CTCAG-C.
Other names: c.5663_5666del, p.Thr1888fs (NM_170724.3); short protein forms T1888fs.
Identifiers: ClinVar variation 1726498 (VCV001726498.2), dbSNP rs2538115028, ClinGen allele CA2580075467.

ClinVar aggregate classification (germline): Likely pathogenic (1 of 4 stars; one submission).

Conditions:
Polycystic kidney disease 4 (PKD4). Also called: POLYCYSTIC KIDNEY AND HEPATIC DISEASE 1; POLYCYSTIC KIDNEY DISEASE, INFANTILE, TYPE I; POLYCYSTIC KIDNEY DISEASE 4 WITH OR WITHOUT POLYCYSTIC LIVER DISEASE; PKD3; Autosomal Recessive Polycystic Kidney Disease – PKHD1. Identifiers: MedGen C4540575, MONDO:0033004, OMIM 263200.

Submission:

Myriad Genetics, Inc.
Classification: Likely pathogenic for Polycystic kidney disease 4. Last evaluated: 2021-12-17. Review status: criteria provided, single submitter. Criteria: Myriad Women's Health Autosomal Recessive and X-Linked Classification Criteria (2021). Collection method: clinical testing. Allele origin: unknown.
Comment: NM_138694.3(PKHD1):c.5663_5666delCTGA(T1888Rfs*85) is expected to be pathogenic in the context of autosomal recessive polycystic kidney disease, PKHD1-related. This variant is predicted to lead to an abnormal or absent protein product due to the creation of a premature termination codon in PKHD1, a gene where loss-of-function variants are known to be pathogenic. Please note: this variant was assessed in the context of healthy population screening.